The following is an entry in ClinVar:

ClinVar aggregate classification (germline): Uncertain significance (1 of 4 stars; one submission).

Allele frequency attached by ClinVar (database versions not stated): ExAC 0.00001; gnomAD exomes 0.00001.
gnomAD v4.1: 3 of 1,613,754 alleles (0.00019%); highest among the groups gnomAD compares: Admixed American, 0.005%; no homozygotes.

Submission:

Labcorp Genetics (formerly Invitae), Labcorp
Classification: Uncertain significance. Last evaluated: 2022-06-08. Review status: criteria provided, single submitter. Criteria: Invitae Variant Classification Sherloc (09022015). Collection method: clinical testing. Allele origin: germline.
Comment: This sequence change replaces proline, which is neutral and non-polar, with serine, which is neutral and polar, at codon 1722 of the KMT2E protein (p.Pro1722Ser). This variant is present in population databases (rs766655253, gnomAD 0.009%). This variant has not been reported in the literature in individuals affected with KMT2E-related conditions. Algorithms developed to predict the effect of missense changes on protein structure and function are either unavailable or do not agree on the potential impact of this missense change (SIFT: "Tolerated"; PolyPhen-2: "Possibly Damaging"; Align-GVGD: "Class C0"). In summary, the available evidence is currently insufficient to determine the role of this variant in disease. Therefore, it has been classified as a Variant of Uncertain Significance.

NM_182931.3(KMT2E):c.5164C>T (p.Pro1722Ser)

Gene: KMT2E (lysine methyltransferase 2E (inactive); plus strand). Cytogenetic location: 7q22.3.
Variant type: single nucleotide variant.
Coding change: c.5164C>T on transcript NM_182931.3 (MANE Select); coding-DNA position 5164, C replaced by T.
Protein change: p.Pro1722Ser; replaces proline 1722 with serine.
Molecular consequence: missense variant.
Genome position (GRCh38, 1-based): chr7:105,112,920, C>T. VCF-style: chr7-105112920-C-T. GRCh37 (hg19) VCF-style: chr7-104753367-C-T.
Other names: c.5038C>T, p.Pro1680Ser (NM_001410908.1); c.5164C>T, p.Pro1722Ser (NM_018682.4); short protein forms P1680S, P1722S.
Identifiers: ClinVar variation 2187245 (VCV002187245.4), dbSNP rs766655253, ClinGen allele CA4424928.
Genomic context (GRCh38, chr7:105,112,920, plus strand): 5'-GGTCTACAAGCACAACACCAGCATGTTGTAAATTCAGCACCCCCACCACCCCCTCCGCCG[C>T]CACCTTCCAGTGTTTTGGCTTCTGGGCATCATACCACATCAGCTCAAGCCTTACACCACC-3'
Protein context (NP_891847.1, residues 1712-1732): NSAPPPPPPP[Pro1722Ser]PSSVLASGHH